The following is an entry in ClinVar:

NM_001204.7(BMPR2):c.1628A>T (p.Tyr543Phe)

Gene: BMPR2 (bone morphogenetic protein receptor type 2; plus strand). Cytogenetic location: 2q33.2.
Variant type: single nucleotide variant.
Coding change: c.1628A>T on transcript NM_001204.7 (MANE Select); coding-DNA position 1628, A replaced by T.
Protein change: p.Tyr543Phe; replaces tyrosine 543 with phenylalanine.
Molecular consequence: missense variant.
Genome position (GRCh38, 1-based): chr2:202,555,293, A>T. VCF-style: chr2-202555293-A-T. GRCh37 (hg19) VCF-style: chr2-203420016-A-T.
Other names: short protein forms Y543F.
Identifiers: ClinVar variation 3373651 (VCV003373651.1).
Genomic context (GRCh38, chr2:202,555,293, plus strand): 5'-CTTTTTTTCTTTCTTTAAGCAACCTGTCACATAATAGGCGTGTGCCAAAAATTGGTCCTT[A>T]TCCAGATTATTCTTCCTCCTCATACATTGAAGACTCTATCCATCATACTGACAGCATCGT-3'
Protein context (NP_001195.2, residues 533-553): HNRRVPKIGP[Tyr543Phe]PDYSSSSYIE

ClinVar aggregate classification (germline): Uncertain significance (1 of 4 stars; one submission).

Submission:

GeneDx
Classification: Uncertain significance. Last evaluated: 2024-03-04. Review status: criteria provided, single submitter. Criteria: GeneDx Variant Classification Process June 2021. Collection method: clinical testing. Allele origin: germline. Affected: yes.
Comment: Not observed at significant frequency in large population cohorts (gnomAD); In silico analysis supports a deleterious effect on splicing; In silico analysis supports that this missense variant does not alter protein structure/function; Has not been previously published as pathogenic or benign to our knowledge